The following is an entry in ClinVar:

ClinVar aggregate classification (germline): Uncertain significance (1 of 4 stars; one submission).

Submission:

Labcorp Genetics (formerly Invitae), Labcorp
Classification: Uncertain significance. Last evaluated: 2023-05-30. Review status: criteria provided, single submitter. Criteria: Invitae Variant Classification Sherloc (09022015). Collection method: clinical testing. Allele origin: germline.
Comment: This sequence change replaces alanine, which is neutral and non-polar, with glycine, which is neutral and non-polar, at codon 1437 of the BRWD3 protein (p.Ala1437Gly). This variant is not present in population databases (gnomAD no frequency). This variant has not been reported in the literature in individuals affected with BRWD3-related conditions. Advanced modeling of protein sequence and biophysical properties (such as structural, functional, and spatial information, amino acid conservation, physicochemical variation, residue mobility, and thermodynamic stability) performed at Invitae indicates that this missense variant is not expected to disrupt BRWD3 protein function. In summary, the available evidence is currently insufficient to determine the role of this variant in disease. Therefore, it has been classified as a Variant of Uncertain Significance.

NM_153252.5(BRWD3):c.4310C>G (p.Ala1437Gly)

Gene: BRWD3 (bromodomain and WD repeat domain containing 3; minus strand). Cytogenetic location: Xq21.1.
Variant type: single nucleotide variant.
Coding change: c.4310C>G on transcript NM_153252.5 (MANE Select); coding-DNA position 4310, C replaced by G.
Protein change: p.Ala1437Gly; replaces alanine 1437 with glycine.
Molecular consequence: missense variant.
Genome position (GRCh38, 1-based): chrX:80,682,552, G>C on the plus strand (C>G on the coding strand, the complement: BRWD3 is on the minus strand). VCF-style: chrX-80682552-G-C. GRCh37 (hg19) VCF-style: chrX-79938051-G-C.
Other names: short protein forms A1437G.
Identifiers: ClinVar variation 2750193 (VCV002750193.3), dbSNP rs2520212139, ClinGen allele CA413609903.
Genomic context (GRCh38, chrX:80,682,552, plus strand): 5'-CTGCTGCTGCTTCTTAGACGTTTTCTGTACCGTGGCCTTCTCCTCTTCTGACTCTGGATT[G>C]CTGACTTATATTCAGAGATGATATTTTTGATATGACTTTCAAATAAGGCAGATAATCGCA-3'
Protein context (NP_694984.5, residues 1427-1447): IKNIISEYKS[Ala1437Gly]IQSQKRRRPR